The following is an entry in ClinVar:

ClinVar aggregate classification (germline): Uncertain significance (1 of 4 stars; one submission).

gnomAD v4.1: 1 of 1,611,012 alleles (0.000062%); highest among the groups gnomAD compares: Non-Finnish European, 0.000085%; no homozygotes.

Submission:

Women's Health and Genetics/Laboratory Corporation of America, LabCorp
Classification: Uncertain significance. Last evaluated: 2025-04-04. Review status: criteria provided, single submitter. Criteria: LabCorp Variant Classification Summary - May 2015. Collection method: clinical testing. Allele origin: germline.
Comment: Variant summary: KAT6A c.2509G>A (p.Val837Ile) results in a conservative amino acid change in the encoded protein sequence. Five of five in-silico tools predict a benign effect of the variant on protein function. The variant was absent in 248706 control chromosomes (gnomAD). The available data on variant occurrences in the general population are insufficient to allow any conclusion about variant significance. To our knowledge, no occurrence of c.2509G>A in individuals affected with Arboleda-Tham Syndrome and no experimental evidence demonstrating its impact on protein function have been reported. No submitters have cited clinical-significance assessments for this variant to ClinVar. Based on the evidence outlined above, the variant was classified as uncertain significance.

NM_006766.5(KAT6A):c.2509G>A (p.Val837Ile)

Gene: KAT6A (lysine acetyltransferase 6A; minus strand). Cytogenetic location: 8p11.21.
Variant type: single nucleotide variant.
Coding change: c.2509G>A on transcript NM_006766.5 (MANE Select); coding-DNA position 2509, G replaced by A.
Protein change: p.Val837Ile; replaces valine 837 with isoleucine.
Molecular consequence: missense variant.
Genome position (GRCh38, 1-based): chr8:41,941,372, C>T on the plus strand (G>A on the coding strand, the complement: KAT6A is on the minus strand). VCF-style: chr8-41941372-C-T. GRCh37 (hg19) VCF-style: chr8-41798890-C-T.
Other names: short protein forms V837I.
Identifiers: ClinVar variation 3896472 (VCV003896472.2).